The following is an entry in ClinVar:

NM_000059.4(BRCA2):c.1167G>A (p.Pro389=)

Gene: BRCA2 (BRCA2 DNA repair associated; plus strand). Cytogenetic location: 13q13.1.
Variant type: single nucleotide variant.
Coding change: c.1167G>A on transcript NM_000059.4 (MANE Select); coding-DNA position 1167, G replaced by A.
Protein change: p.Pro389=; no amino-acid change (proline 389 retained).
Molecular consequence: synonymous variant.
Genome position (GRCh38, 1-based): chr13:32,332,645, G>A. VCF-style: chr13-32332645-G-A. GRCh37 (hg19) VCF-style: chr13-32906782-G-A.
Identifiers: ClinVar variation 184355 (VCV000184355.68), dbSNP rs148607710, ClinGen allele CA011030.

ClinVar aggregate classification (germline): Likely benign. Review status: reviewed by expert panel (3 of 4 stars). 17 submissions from 17 submitters: Likely benign (1). 16 of the submissions do not count toward it. Last evaluated 2017-06-29.

Conditions:
BRCA2-related disorder. Also called: BRCA2-related condition; BRCA2-related disorders. Identifiers: MedGen CN239275.
Hereditary cancer-predisposing syndrome. Also called: Tumor predisposition; Neoplastic Syndromes, Hereditary; Hereditary Cancer Syndrome; Hereditary neoplastic syndrome. Identifiers: Orphanet 140162, MedGen C0027672, MeSH D009386, MONDO:0015356.
Hereditary breast ovarian cancer syndrome. Also called: Hereditary breast and ovarian cancer; Hereditary breast and ovarian cancer syndrome (HBOC); Breast and ovarian cancer; Hereditary breast and/or ovarian cancer syndrome; BRCA1- and BRCA2-Associated Hereditary Breast and Ovarian Cancer; Hereditary breast and ovarian cancer syndrome. Identifiers: Orphanet 145, MedGen C0677776, MeSH D061325, MONDO:0003582. Disease mechanism: loss of function.
Breast-ovarian cancer, familial, susceptibility to, 2 (BROVCA2). Also called: BRCA2 Hereditary Breast and Ovarian Cancer. Identifiers: Orphanet 145, MedGen C2675520, MONDO:0012933, OMIM 612555. Disease mechanism: loss of function.
Malignant tumor of breast. Also called: Malignant breast neoplasm; Cancer breast. Identifiers: MedGen C0006142, MONDO:0007254. Disease mechanism: loss of function.

Allele frequency attached by ClinVar (database versions not stated): ExAC 0.00005; TOPMed 0.00005; gnomAD 0.00007; ESP Exome Variant Server 0.00008.
gnomAD v4.1: 66 of 1,613,958 alleles (0.0041%); highest among the groups gnomAD compares: Non-Finnish European, 0.0048%; no homozygotes.

Submissions (17):

Evidence-based Network for the Interpretation of Germline Mutant Alleles (ENIGMA)
Classification: Likely benign for Breast-ovarian cancer, familial, susceptibility to, 2. Last evaluated: 2017-06-29. Review status: reviewed by expert panel. Criteria: ENIGMA BRCA1/2 Classification Criteria (2017-06-29). Collection method: curation. Allele origin: germline.
Comment: Synonymous substitution variant, with low bioinformatic likelihood to result in a splicing aberration (Splicing prior probability 0.02).

CeGaT Center for Human Genetics Tuebingen
Classification: Likely benign. Last evaluated: 2026-06-01. Review status: criteria provided, single submitter. Criteria: CeGaT Center For Human Genetics Tuebingen Variant Classification Criteria Version 2. Collection method: clinical testing. Allele origin: germline. Affected: yes. Observed: 3 variant alleles. Not counted in ClinVar's aggregate classification.
Comment: BRCA2: BP4, BP7

Labcorp Genetics (formerly Invitae), Labcorp
Classification: Likely benign for Hereditary breast ovarian cancer syndrome. Last evaluated: 2026-01-12. Review status: criteria provided, single submitter. Criteria: Invitae Variant Classification Sherloc (09022015). Collection method: clinical testing. Allele origin: germline. Not counted in ClinVar's aggregate classification.

Institute for Biomarker Research, Medical Diagnostic Laboratories, L.L.C.
Classification: Likely benign for Hereditary breast ovarian cancer syndrome. Last evaluated: 2025-08-18. Review status: criteria provided, single submitter. Criteria: ACMG Guidelines, 2015. Collection method: clinical testing. Allele origin: germline. Not counted in ClinVar's aggregate classification.
Comment: The synonymous variant NM_000059.4(BRCA2):c.1167G>A (p.Pro389=) has been reported to ClinVar as Likely benign with a status of (3 stars) reviewed by expert panel (Variation ID 184355 as of 2025-07-03). The p.Pro389= variant is not predicted to disrupt an existing splice site. The p.Pro389= variant results in a substitution of a base that is not predicted conserved by GERP++ and PhyloP. For these reasons, this variant has been classified as Likely Benign.

Center for Genomic Medicine, Rigshospitalet, Copenhagen University Hospital
Classification: Likely benign. Last evaluated: 2025-03-04. Review status: criteria provided, single submitter. Criteria: ACMG Guidelines, 2015. Collection method: clinical testing. Allele origin: germline. Not counted in ClinVar's aggregate classification.

Blueprint Genetics
Classification: Likely benign. Last evaluated: 2024-10-16. Review status: criteria provided, single submitter. Criteria: ACMG Guidelines, 2015. Collection method: clinical testing. Allele origin: germline. Not counted in ClinVar's aggregate classification.

All of Us Research Program, National Institutes of Health
Classification: Benign for Breast-ovarian cancer, familial, susceptibility to, 2. Last evaluated: 2024-01-11. Review status: criteria provided, single submitter. Criteria: ACMG Guidelines, 2015. Collection method: clinical testing. Allele origin: germline. Inheritance: Autosomal dominant inheritance. Observed: 15 variant alleles, 15 heterozygotes. Not counted in ClinVar's aggregate classification.
Comment: This study involves interpretation of variants in research participants for the purpose of population health screening. Participant phenotype was not available at the time of variant classification. Additional details can be found in publication PMID: 35346344, PMCID: PMC8962531

Quest Diagnostics Nichols Institute San Juan Capistrano
Classification: Benign. Last evaluated: 2023-01-20. Review status: criteria provided, single submitter. Criteria: Quest Diagnostics criteria. Collection method: clinical testing. Allele origin: unknown. Not counted in ClinVar's aggregate classification.

Sema4
Classification: Likely benign for Hereditary cancer-predisposing syndrome. Last evaluated: 2021-10-28. Review status: criteria provided, single submitter. Criteria: Sema4 Curation Guidelines. Collection method: curation. Allele origin: germline. Not counted in ClinVar's aggregate classification.

Women's Health and Genetics/Laboratory Corporation of America, LabCorp
Classification: Likely benign. Last evaluated: 2020-11-24. Review status: criteria provided, single submitter. Criteria: LabCorp Variant Classification Summary - May 2015. Collection method: clinical testing. Allele origin: germline. Not counted in ClinVar's aggregate classification.

ARUP Laboratories, Molecular Genetics and Genomics, ARUP Laboratories
Classification: Likely benign. Last evaluated: 2017-09-19. Review status: criteria provided, single submitter. Criteria: ARUP Molecular Germline Variant Investigation Process. Collection method: clinical testing. Allele origin: germline. Not counted in ClinVar's aggregate classification.

Color Diagnostics, LLC DBA Color Health
Classification: Benign for Hereditary cancer-predisposing syndrome. Last evaluated: 2016-05-19. Review status: criteria provided, single submitter. Criteria: ACMG Guidelines, 2015. Collection method: clinical testing. Allele origin: germline. Not counted in ClinVar's aggregate classification.

GeneDx
Classification: Benign. Last evaluated: 2015-08-27. Review status: criteria provided, single submitter. Criteria: GeneDx Variant Classification (06012015). Collection method: clinical testing. Allele origin: germline. Affected: yes. Not counted in ClinVar's aggregate classification.
Comment: This variant is considered likely benign or benign based on one or more of the following criteria: it is a conservative change, it occurs at a poorly conserved position in the protein, it is predicted to be benign by multiple in silico algorithms, and/or has population frequency not consistent with disease.

Eurofins Ntd Llc (ga)
Classification: Uncertain significance. Last evaluated: 2015-07-29. Review status: criteria provided, single submitter. Criteria: EGL Classification Definitions 2015. Collection method: clinical testing. Allele origin: germline. Observed: 1 variant allele, 1 heterozygote. Not counted in ClinVar's aggregate classification.

Ambry Genetics
Classification: Likely benign for Hereditary cancer-predisposing syndrome. Last evaluated: 2014-09-04. Review status: criteria provided, single submitter. Criteria: Ambry Variant Classification Scheme 2023. Collection method: clinical testing. Allele origin: germline. Not counted in ClinVar's aggregate classification.

PreventionGenetics, part of Exact Sciences
Classification: Likely benign for BRCA2-related condition. Last evaluated: 2019-06-04. Review status: no assertion criteria provided. Collection method: clinical testing. Allele origin: germline. Not counted in ClinVar's aggregate classification.
Comment: This variant is classified as likely benign based on ACMG/AMP sequence variant interpretation guidelines (Richards et al. 2015 PMID: 25741868, with internal and published modifications).

Department of Pathology and Laboratory Medicine, Sinai Health System
Classification: Likely benign for Malignant tumor of breast. Review status: no assertion criteria provided. Collection method: clinical testing. Allele origin: unknown. Affected: yes. Observed: 1 variant allele. Study: The Canadian Open Genetics Repository (COGR). Not counted in ClinVar's aggregate classification.
Comment: The BRCA2 p.Pro389= variant was identified in 6 of 7082 proband chromosomes (frequency: 0.00085) from individuals or families with breast cancer and in 3 of 334 control chromosomes (frequency: 0.009) (Borg_2010, Ermolenko_2015, Kim_2006, Stegel_2011). The variant was also identified in dbSNP (ID: rs148607710) as â€šÃ„ÃºWith other alleleâ€šÃ„Ã¹, ClinVar (as likely benign reviewed by expert panel), Clinvitae (5x), COGR (as likely benign by COGR consensus), LOVD 3.0 (2x as uncertain significance), UMD-LSDB (5x as uncertain significance, co-occuring with a pathogenic BRCA1 variant p.Asn1355LysfsX10). The variant was not identified in Cosmic, MutDB, BIC Database, ARUP Laboratories, or Zhejiang Colon Cancer Database. The variant was identified in control databases in 18 of 277030 chromosomes at a frequency of 0.000065 (Genome Aggregation Database Feb 27, 2017). It was observed in the following populations: African in 1 of 24020 chromosomes (freq: 0.000042), Latino in 1 of 34398 chromosomes (freq: 0.000029), European (Non-Finnish) in 13 of 126618 chromosomes (freq: 0.000103), East Asian in 2 of 18866 chromosomes (freq: 0.000106), and South Asian in 1 of 30738 chromosomes (freq: 0.000033); but not observed in the Other, Ashkenazi Jewish, or European (Finnish) populations. The p.Pro389= variant is not expected to have clinical significance because it does not result in a change of amino acid and is not located in a known consensus splice site. In addition, in silico or computational prediction software programs (SpliceSiteFinder, MaxEntScan, NNSPLICE, GeneSplicer, HumanSpliceFinder) do not predict a difference in splicing. In summary, based on the above information the clinical significance of this variant cannot be determined with certainty at this time although we would lean towards a more benign role for this variant. This variant is classified as likely benign.

Literature cited by the submitters: PubMed 26625824 (cited by 3 submitters); PubMed 20104584 (cited by 3 submitters); PubMed 16949048 (cited by 3 submitters); PubMed 17100994 (cited by 3 submitters); PubMed 21232165 (cited by 3 submitters).